The following is an entry in ClinVar:

NM_001278716.2(FBXL4):c.273_277del (p.Phe91fs)

Gene: FBXL4 (F-box and leucine rich repeat protein 4; minus strand). Cytogenetic location: 6q16.2.
Variant type: Deletion.
Coding change: c.273_277del on transcript NM_001278716.2 (MANE Select); coding-DNA positions 273 to 277, 5 bases deleted (TACTC; older notation c.273_277delTACTC).
Protein change: p.Phe91fs; shifts the reading frame from phenylalanine 91.
Molecular consequence: frameshift variant. On other transcripts: non-coding transcript variant (2).
Genome position (GRCh38, 1-based): chr6:98,926,712-98,926,716, GAGTA deleted on the plus strand (TACTC on the coding strand, the reverse complement: FBXL4 is on the minus strand). VCF-style (leftmost placement, unchanged base first): chr6-98926711-TGAGTA-T. GRCh37 (hg19) VCF-style: chr6-99374587-TGAGTA-T.
Other names: c.273_277del, p.Phe91fs (NM_012160.5); short protein forms F91fs.
Identifiers: ClinVar variation 437495 (VCV000437495.1), dbSNP rs766892502, ClinGen allele CA3933712.

ClinVar aggregate classification (germline): Pathogenic (1 of 4 stars; one submission).

Conditions:
Mitochondrial DNA depletion syndrome 13. Also called: FBXL4-Related Encephalomyopathic Mitochondrial DNA Depletion Syndrome; Mitochondrial DNA depletion syndrome 13 (encephalomyopathic type). Identifiers: Orphanet 369897, MedGen C3809592, MONDO:0014198, OMIM 615471.

Allele frequency attached by ClinVar (database versions not stated): gnomAD exomes below 0.00001; ExAC 0.00001.

Submission:

Wong Mito Lab, Molecular and Human Genetics, Baylor College of Medicine
Classification: Pathogenic for Mitochondrial DNA depletion syndrome 13. Last evaluated: 2017-08-10. Review status: criteria provided, single submitter. Criteria: ACMG Guidelines, 2015. Collection method: clinical testing. Allele origin: germline. Affected: yes.
Comment: The NM_012160.4:c.273_277del (NP_036292.2:p.Phe91LeufsTer17) [GRCH38: NC_000006.12:g.98926712_98926716del] variant in FBXL4 gene is interpretated to be a Pathogenic based on ACMG guidelines (PMID: 25741868). This variant has been reported in PMID:27743463 . This variant meets one or more of the following evidence codes reported in the ACMG-guideline. PVS1:This variant is a predcted null variant in FBXL4 where loss of function is a known mechanism of disease. PM2:This variant is absent in key population databases. PP4:Patientâ€™s phenotype or family history is highly specific for FBXL4. PP5:Reputable source(s) suggest that the variant is pathogenic. Based on this evidence code ClinGen Pathogenicity Calculator (PMID:28081714) suggested that the variant is Pathogenic.

Literature cited by the submitters: PubMed 27743463.